The following is an entry in ClinVar:

NC_000003.11:g.(?_49394821)_(49459947_?)dup

Genes: AMT (aminomethyltransferase; minus strand), GPX1 (glutathione peroxidase 1; minus strand), NICN1 (nicolin 1, tubulin polyglutamylase complex subunit; minus strand), RHOA (ras homolog family member A; minus strand), TCTA (T cell leukemia translocation altered; plus strand). Cytogenetic location: 3p21.31.
Variant type: Duplication.
Identifiers: ClinVar variation 1510798 (VCV001510798.6).

ClinVar aggregate classification (germline): Uncertain significance (1 of 4 stars; one submission).

Conditions:
Glycine encephalopathy. Also called: Nonketotic hyperglycinemia; Non-ketotic hyperglycinemia. Identifiers: Orphanet 407, MedGen C0751748, MONDO:0011612, HP:0008288.

Submission:

Labcorp Genetics (formerly Invitae), Labcorp
Classification: Uncertain significance for Glycine encephalopathy. Last evaluated: 2021-10-20. Review status: criteria provided, single submitter. Criteria: Invitae Variant Classification Sherloc (09022015). Collection method: clinical testing. Allele origin: germline.
Comment: A copy number gain of the genomic region encompassing the full coding sequence of the AMT gene has been identified. The boundaries of this event are unknown as they extend beyond the assayed region for this gene and therefore may encompass additional genes. As the precise location of this event is unknown, it may be in tandem or it may be located elsewhere in the genome. This variant has not been reported in the literature in individuals affected with AMT-related conditions. In summary, the available evidence is currently insufficient to determine the role of this variant in disease. Therefore, it has been classified as a Variant of Uncertain Significance.